The following is an entry in ClinVar:

NM_001458.5(FLNC):c.2672C>T (p.Thr891Met)

Gene: FLNC (filamin C; plus strand). Cytogenetic location: 7q32.1.
Variant type: single nucleotide variant.
Coding change: c.2672C>T on transcript NM_001458.5 (MANE Select); coding-DNA position 2672, C replaced by T.
Protein change: p.Thr891Met; replaces threonine 891 with methionine.
Molecular consequence: missense variant.
Genome position (GRCh38, 1-based): chr7:128,843,438, C>T. VCF-style: chr7-128843438-C-T. GRCh37 (hg19) VCF-style: chr7-128483492-C-T.
Other names: c.2672C>T, p.Thr891Met (NM_001127487.2); short protein forms T891M.
Identifiers: ClinVar variation 855393 (VCV000855393.16), dbSNP rs766023596, ClinGen allele CA4474818.

ClinVar aggregate classification (germline): Conflicting classifications of pathogenicity. Review status: criteria provided, conflicting classifications (1 of 4 stars). 4 submissions from 4 submitters: Uncertain significance (3); Likely benign (1). Last evaluated 2025-09-08.

Conditions:
Cardiovascular phenotype. Identifiers: MedGen CN230736.
FLNC-related disorder. Also called: FLNC-related condition; FLNC-related disorders.
Myofibrillar myopathy 5. Also called: Filaminopathy (type); FILAMINOPATHY, AUTOSOMAL DOMINANT. Identifiers: Orphanet 171445, MedGen C1836050, MONDO:0012289, OMIM 609524.
Hypertrophic cardiomyopathy 26. Also called: Cardiomyopathy, familial hypertrophic, 26. Identifiers: Orphanet 75249, MedGen C4310749, MONDO:0014883, OMIM 617047.
Distal myopathy with posterior leg and anterior hand involvement. Also called: WILLIAMS DISTAL MYOPATHY. Identifiers: Orphanet 63273, MedGen C3279722, MONDO:0013550, OMIM 614065.

Allele frequency attached by ClinVar (database versions not stated): TOPMed below 0.00001; gnomAD 0.00001 and 0.00002; gnomAD exomes 0.00001 and 0.00004; ExAC 0.00003.
gnomAD v4.1: 56 of 1,613,980 alleles (0.0035%); highest among the groups gnomAD compares: South Asian, 0.011%; no homozygotes.

Submissions (4):

Labcorp Genetics (formerly Invitae), Labcorp
Classification: Likely benign for Distal myopathy with posterior leg and anterior hand involvement; Myofibrillar myopathy 5; Hypertrophic cardiomyopathy 26. Last evaluated: 2025-09-08. Review status: criteria provided, single submitter. Criteria: Invitae Variant Classification Sherloc (09022015). Collection method: clinical testing. Allele origin: germline.

Ambry Genetics
Classification: Uncertain significance for Cardiovascular phenotype. Last evaluated: 2024-05-29. Review status: criteria provided, single submitter. Criteria: Ambry Variant Classification Scheme 2023. Collection method: clinical testing. Allele origin: germline.

PreventionGenetics, part of Exact Sciences
Classification: Uncertain significance for FLNC-related condition. Last evaluated: 2023-04-18. Review status: criteria provided, single submitter. Criteria: ACMG Guidelines, 2015. Collection method: clinical testing. Allele origin: germline.
Comment: The FLNC c.2672C>T variant is predicted to result in the amino acid substitution p.Thr891Met. This variant was reported in an individual with hypertrophic cardiomyopathy; however, this individual also harbored an additional variant that was not described in details (Table 1, Cui et al. 2018. PubMed ID: 30411535). This variant is reported in 0.0065% of alleles in individuals of South Asian descent in gnomAD. At this time, the clinical significance of this variant is uncertain due to the absence of conclusive functional and genetic evidence.

Revvity Omics, Revvity
Classification: Uncertain significance. Last evaluated: 2021-11-30. Review status: criteria provided, single submitter. Criteria: ACMG Guidelines, 2015. Collection method: clinical testing. Allele origin: germline.